The following is an entry in ClinVar:

NM_000088.4(COL1A1):c.2953C>A (p.Gln985Lys)

Gene: COL1A1 (collagen type I alpha 1 chain; minus strand). Cytogenetic location: 17q21.33.
Variant type: single nucleotide variant.
Coding change: c.2953C>A on transcript NM_000088.4 (MANE Select); coding-DNA position 2953, C replaced by A.
Protein change: p.Gln985Lys; replaces glutamine 985 with lysine.
Molecular consequence: missense variant.
Genome position (GRCh38, 1-based): chr17:50,188,995, G>T on the plus strand (C>A on the coding strand, the complement: COL1A1 is on the minus strand). VCF-style: chr17-50188995-G-T. GRCh37 (hg19) VCF-style: chr17-48266356-G-T.
Other names: short protein forms Q985K.
Identifiers: ClinVar variation 1720147 (VCV001720147.7), dbSNP rs1301713479, ClinGen allele CA400204287.

ClinVar aggregate classification (germline): Uncertain significance. Review status: criteria provided, multiple submitters, no conflicts (2 of 4 stars). 2 submissions from 2 submitters: Uncertain significance (2). Last evaluated 2026-07-19.

Conditions:
Cardiovascular phenotype. Identifiers: MedGen CN230736.
Osteogenesis imperfecta type I (OI1). Also called: Lobstein disease; OI, TYPE I; OSTEOGENESIS IMPERFECTA TARDA; OSTEOGENESIS IMPERFECTA WITH BLUE SCLERAE; Classic Non-deforming Osteogenesis Imperfecta with Blue Sclerae; Osteogenesis imperfecta type 1. Identifiers: Orphanet 216796, Orphanet 666, MedGen C0023931, MONDO:0008146, OMIM 166200. Disease mechanism: loss of function.

Allele frequency attached by ClinVar (database versions not stated): TOPMed below 0.00001.
gnomAD v4.1: 2 of 1,612,514 alleles (0.00012%); highest among the groups gnomAD compares: Admixed American, 0.0017%; no homozygotes.

Submissions (2):

Ambry Genetics
Classification: Uncertain significance for Cardiovascular phenotype. Last evaluated: 2026-07-19. Review status: criteria provided, single submitter. Criteria: Ambry Variant Classification Scheme 2023. Collection method: clinical testing. Allele origin: germline.
Comment: The c.2953C>A (p.Q985K) alteration is located in exon 41 (coding exon 41) of the COL1A1 gene. This alteration results from a C to A substitution at nucleotide position 2953, causing the glutamine (Q) at amino acid position 985 to be replaced by a lysine (K). Based on data from gnomAD, the A allele has an overall frequency of <0.001% (0/251244) total alleles studied. The highest observed frequency was <0.001% (/) of alleles. Based on insufficient or conflicting evidence, the clinical significance of this alteration remains unclear.

Labcorp Genetics (formerly Invitae), Labcorp
Classification: Uncertain significance for Osteogenesis imperfecta type I. Last evaluated: 2022-09-23. Review status: criteria provided, single submitter. Criteria: Invitae Variant Classification Sherloc (09022015). Collection method: clinical testing. Allele origin: germline.
Comment: In summary, the available evidence is currently insufficient to determine the role of this variant in disease. Therefore, it has been classified as a Variant of Uncertain Significance. This sequence change replaces glutamine, which is neutral and polar, with lysine, which is basic and polar, at codon 985 of the COL1A1 protein (p.Gln985Lys). This variant is not present in population databases (gnomAD no frequency). This variant has not been reported in the literature in individuals affected with COL1A1-related conditions. Advanced modeling of protein sequence and biophysical properties (such as structural, functional, and spatial information, amino acid conservation, physicochemical variation, residue mobility, and thermodynamic stability) performed at Invitae indicates that this missense variant is not expected to disrupt COL1A1 protein function.